The following is an entry in ClinVar:

NM_014639.4(SKIC3):c.2634+3A>T

Gene: SKIC3 (SKI3 subunit of superkiller complex; minus strand). Cytogenetic location: 5q15.
Variant type: single nucleotide variant.
Coding change: c.2634+3A>T on transcript NM_014639.4 (MANE Select); 3 bases into the intron after coding-DNA position 2634, A replaced by T.
Molecular consequence: intron variant.
Genome position (GRCh38, 1-based): chr5:95,516,350, T>A on the plus strand (A>T on the coding strand, the complement: SKIC3 is on the minus strand). VCF-style: chr5-95516350-T-A. GRCh37 (hg19) VCF-style: chr5-94852054-T-A.
Identifiers: ClinVar variation 4971525 (VCV004971525.2).
Genomic context (GRCh38, chr5:95,516,350, plus strand): 5'-GAGGAGACAATAATATAGAAAACATTCTTTGTTTTAAATATGACAGACAGGCAACATATT[T>A]ACCTCAATGTTTTCATTTGTGAGGTATAACACTCCCAAGTTGGTCCATGCAACAGCATTC-3'

ClinVar aggregate classification (germline): Conflicting classifications of pathogenicity. Review status: criteria provided, conflicting classifications (1 of 4 stars). 2 submissions from 2 submitters: Likely pathogenic (1); Uncertain significance (1). Last evaluated 2026-04-12.

Conditions:
TTC37-related disorders.

gnomAD v4.1: 45 of 1,612,818 alleles (0.0028%); highest among the groups gnomAD compares: Non-Finnish European, 0.0011%; no homozygotes.

Submissions (2):

GeneDx
Classification: Uncertain significance. Last evaluated: 2026-04-12. Review status: criteria provided, single submitter. Criteria: GeneDx Variant Classification Process June 2021. Collection method: clinical testing. Allele origin: germline.
Comment: In silico analysis supports a deleterious effect on splicing; Has not been previously published as pathogenic or benign to our knowledge

Blueprint Genetics
Classification: Likely pathogenic for TTC37-related disorders. Last evaluated: 2022-06-21. Review status: criteria provided, single submitter. Criteria: ACMG Guidelines, 2015. Collection method: clinical testing. Allele origin: germline. Affected: yes. Observed: 4 variant alleles.